The following continues an entry in ClinVar:

NM_000070.3(CAPN3):c.2257G>A (p.Asp753Asn)

Gene: CAPN3. ClinVar aggregate classification (germline): Likely benign. Likely benign (1).

Submissions 11 to 19 of 19:

Mayo Clinic Laboratories, Mayo Clinic
Classification: Uncertain significance. Last evaluated: 2023-05-25. Review status: criteria provided, single submitter. Criteria: ACMG Guidelines, 2015. Collection method: clinical testing. Allele origin: germline. Observed: 2 variant alleles. Not counted in ClinVar's aggregate classification.
Comment: PM3_supporting

MGZ Medical Genetics Center
Classification: Uncertain significance for Muscular dystrophy, limb-girdle, autosomal dominant 4. Last evaluated: 2022-06-29. Review status: criteria provided, single submitter. Criteria: ACMG Guidelines, 2015. Collection method: clinical testing. Allele origin: germline. Affected: yes. Observed: 1 variant allele. Not counted in ClinVar's aggregate classification.
Comment: ACMG criteria applied: PM3, PM2_SUP

Baylor Genetics
Classification: Uncertain significance for Muscular dystrophy, limb-girdle, autosomal dominant 4. Last evaluated: 2022-03-30. Review status: criteria provided, single submitter. Criteria: ACMG Guidelines, 2015. Collection method: clinical testing. Allele origin: unknown. Not counted in ClinVar's aggregate classification.

Genome-Nilou Lab
Classification: Uncertain significance for Autosomal recessive limb-girdle muscular dystrophy type 2A. Last evaluated: 2021-05-18. Review status: criteria provided, single submitter. Criteria: ACMG Guidelines, 2015. Collection method: clinical testing. Allele origin: germline. Affected: no. Not counted in ClinVar's aggregate classification.

Myriad Genetics, Inc.
Classification: Uncertain significance for Autosomal recessive limb-girdle muscular dystrophy type 2A. Last evaluated: 2019-12-17. Review status: criteria provided, single submitter. Criteria: Myriad Women's Health Autosomal Recessive and X-Linked Classification Criteria (2019). Collection method: clinical testing. Allele origin: unknown. Not counted in ClinVar's aggregate classification.
Comment: NM_000070.2(CAPN3):c.2257G>A(D753N) is classified as a variant of uncertain significance in the context of calpainopathy. Sources cited for classification include the following: PMID 17318636, 17994539, 17897828, 18854869, 20044116, 16141003, 27884173 and 30564623. Classification of NM_000070.2(CAPN3):c.2257G>A(D753N) is based on the following criteria: At this time, there is insufficient or conflicting evidence to classify this variant as pathogenic or benign. Please note: this variant was assessed in the context of healthy population screening.

Eurofins Ntd Llc (ga)
Classification: Uncertain significance. Last evaluated: 2018-01-11. Review status: criteria provided, single submitter. Criteria: EGL Classification Definitions 2015. Collection method: clinical testing. Allele origin: germline. Observed: 7 variant alleles, 7 heterozygotes. Not counted in ClinVar's aggregate classification.

Kariminejad - Najmabadi Pathology & Genetics Center
Classification: Likely pathogenic for Autosomal recessive limb-girdle muscular dystrophy type 2A. Review status: criteria provided, single submitter. Criteria: ACMG Guidelines, 2015. Collection method: clinical testing. Allele origin: germline. Affected: no. Not counted in ClinVar's aggregate classification.

Natera, Inc.
Classification: Uncertain significance for Limb-girdle muscular dystrophy type 2A. Last evaluated: 2020-09-16. Review status: no assertion criteria provided. Collection method: clinical testing. Allele origin: germline. Not counted in ClinVar's aggregate classification.

Department of Pathology and Laboratory Medicine, Sinai Health System
Classification: Uncertain significance. Review status: no assertion criteria provided. Collection method: clinical testing. Allele origin: unknown. Affected: yes. Study: The Canadian Open Genetics Repository (COGR). Not counted in ClinVar's aggregate classification.
Comment: The CAPN3 p.D753N variant was identified in the heterozygous or compound heterozygous state in 9 of 2194 proband chromosomes (frequency: 0.004) from individuals with Limb girdle muscular dystrophy (LGMD) type 2A (LGMD2A) and unspecified muscular dystrophy (Todorova_2007_PMID:17318636; Piluso_2005_PMID:16141003; Fanin_2009_PMID:18854869). The variant was identified in dbSNP (ID: rs146923842), ClinVar (classified as uncertain significance by EGL Genetics, GeneDx and Invitae and as likely pathogenic by Counsyl and Illumina) and LOVD 3.0 (classified as pathogenic and a VUS). The variant was identified in control databases in 210 of 282180 chromosomes (0 homozygous) at a frequency of 0.0007442 increasing the likelihood this could be a low frequency benign variant (Genome Aggregation Database March 6, 2019, v2.1.1). The variant was observed in the following populations: Latino in 39 of 35324 chromosomes (freq: 0.001104), European (non-Finnish) in 142 of 128804 chromosomes (freq: 0.001102), Ashkenazi Jewish in 8 of 10354 chromosomes (freq: 0.000773), Other in 4 of 7212 chromosomes (freq: 0.000555), European (Finnish) in 6 of 25108 chromosomes (freq: 0.000239), East Asian in 4 of 19914 chromosomes (freq: 0.000201), South Asian in 4 of 30576 chromosomes (freq: 0.000131), and African in 3 of 24888 chromosomes (freq: 0.000121). The p.Asp661 residue is conserved in mammals and computational analyses (PolyPhen-2, SIFT, AlignGVGD, BLOSUM, MutationTaster) provide inconsistent predictions regarding the impact to the protein; this information is not very predictive of pathogenicity. The variant occurs outside of the splicing consensus sequence and three of four in silico or computational prediction software programs (SpliceSiteFinder, MaxEntScan, NNSPLICE, GeneSplicer) do not predict a greater than 10% difference in splicing; this is not very predictive of pathogenicity. Fanin et al. (2009) identified the p.D753N variant in two heterozygous and two compound heterozygous patients with Limb girdle muscular dystrophy; these patients had varying degrees of calpain levels and autolytic activity ranging from normal to absent (Fanin_2009_PMID:18854869). In summary, based on the above information the clinical significance of this variant cannot be determined with certainty at this time. This variant is classified as a variant of uncertain significance.

Literature cited by the submitters: PubMed 30564623 (cited by 4 submitters); PubMed 17994539 (cited by 3 submitters); PubMed 31931849 (cited by 4 submitters); PubMed 18854869 (cited by 6 submitters); PubMed 16141003 (cited by 6 submitters); PubMed 15221789 (cited by 3 submitters); PubMed 32528171 (cited by 3 submitters); PubMed 15689361 (cited by 4 submitters); PubMed 32403337 (cited by 3 submitters); PubMed 34720847 (cited by 3 submitters); PubMed 31517061 (cited by 3 submitters); PubMed 17318636 (cited by 5 submitters); PubMed 35157181 (cited by 3 submitters); PubMed 38391941 (cited by Women's Health and Genetics/Laboratory Corporation of America, LabCorp and Athena Diagnostics); PubMed 36865086 (cited by Women's Health and Genetics/Laboratory Corporation of America, LabCorp); PubMed 40870035 (cited by Women's Health and Genetics/Laboratory Corporation of America, LabCorp); PubMed 36575883 (cited by Athena Diagnostics and Mayo Clinic Laboratories, Mayo Clinic); PubMed 27884173 (cited by Mayo Clinic Laboratories, Mayo Clinic and Myriad Genetics, Inc.); PubMed 17897828 (cited by Myriad Genetics, Inc.); PubMed 20044116 (cited by Myriad Genetics, Inc.).